The following is an entry in ClinVar:

ClinVar aggregate classification (germline): Uncertain significance (1 of 4 stars; one submission).

Submission:

GeneDx
Classification: Uncertain significance. Last evaluated: 2016-12-22. Review status: criteria provided, single submitter. Criteria: GeneDx Variant Classification (06012015). Collection method: clinical testing. Allele origin: germline. Affected: yes.
Comment: A variant of uncertain significance has been identified in the KCNH2 gene. The G766W variant has not been published as a pathogenic variant, nor has it been reported as a benign variant to our knowledge. This variant was not observed in approximately 6,500 individuals of European and African American ancestry in the NHLBI Exome Sequencing Project, indicating it is not a common benign variant in these populations. The G766W variant is a semi-conservative amino acid substitution, which may impact secondary protein structure as these residues differ in some properties. Additionally, this substitution occurs at a position that is conserved across species and in silico analysis predicts this variant is probably damaging to the protein structure/function.However, additional evidence is needed to determine whether this variant is pathogenic or benign.

NM_000238.4(KCNH2):c.2296G>T (p.Gly766Trp)

Gene: KCNH2 (potassium voltage-gated channel subfamily H member 2; minus strand). Cytogenetic location: 7q36.1.
Variant type: single nucleotide variant.
Coding change: c.2296G>T on transcript NM_000238.4 (MANE Select); coding-DNA position 2296, G replaced by T.
Protein change: p.Gly766Trp; replaces glycine 766 with tryptophan.
Molecular consequence: missense variant.
Genome position (GRCh38, 1-based): chr7:150,950,270, C>A on the plus strand (G>T on the coding strand, the complement: KCNH2 is on the minus strand). VCF-style: chr7-150950270-C-A. GRCh37 (hg19) VCF-style: chr7-150647358-C-A.
Other names: c.1276G>T, p.Gly426Trp (NM_001204798.2, NM_172057.3); c.2008G>T, p.Gly670Trp (NM_001406753.1, NM_001406756.1); c.2119G>T, p.Gly707Trp (NM_001406755.1); c.1996G>T, p.Gly666Trp (NM_001406757.1); c.2296G>T, p.Gly766Trp (NM_172056.3); short protein forms G426W, G766W, G670W, G707W, G666W.
Identifiers: ClinVar variation 392164 (VCV000392164.4), dbSNP rs1057524377, ClinGen allele CA16605269.